The following is an entry in ClinVar:

NM_030912.3(TRIM8):c.1046_1048del (p.Glu349del)

Gene: TRIM8 (tripartite motif containing 8; plus strand). Cytogenetic location: 10q24.32.
Variant type: Deletion.
Coding change: c.1046_1048del on transcript NM_030912.3 (MANE Select); coding-DNA positions 1046 to 1048, 3 bases deleted (AAG; older notation c.1046_1048delAAG).
Protein change: p.Glu349del; deletes glutamic acid 349.
Molecular consequence: non-coding transcript variant (on NR_144321.1).
Genome position (GRCh38, 1-based): chr10:102,656,383-102,656,385, AAG deleted; deleting any 3 consecutive bases within chr10:102,656,381-102,656,385 gives the same sequence; the c. name uses the placement nearest the transcript's 3' end. VCF-style (leftmost placement, unchanged base first): chr10-102656380-TAGA-T. GRCh37 (hg19) VCF-style: chr10-104416137-TAGA-T.
Other names: c.950_952del, p.Glu317del (NM_001345950.1); short protein forms E317del, E349del.
Identifiers: ClinVar variation 3688252 (VCV003688252.2).

ClinVar aggregate classification (germline): Uncertain significance (1 of 4 stars; one submission).

Submission:

Labcorp Genetics (formerly Invitae), Labcorp
Classification: Uncertain significance. Last evaluated: 2024-04-05. Review status: criteria provided, single submitter. Criteria: Invitae Variant Classification Sherloc (09022015). Collection method: clinical testing. Allele origin: germline.
Comment: This variant, c.1046_1048del, results in the deletion of 1 amino acid(s) of the TRIM8 protein (p.Glu349del), but otherwise preserves the integrity of the reading frame. This variant is present in population databases (no rsID available, gnomAD 0.0009%). This variant has not been reported in the literature in individuals affected with TRIM8-related conditions. Experimental studies and prediction algorithms are not available or were not evaluated, and the functional significance of this variant is currently unknown. In summary, the available evidence is currently insufficient to determine the role of this variant in disease. Therefore, it has been classified as a Variant of Uncertain Significance.